The following is an entry in ClinVar:

NM_021625.5(TRPV4):c.706T>C (p.Tyr236His)

Gene: TRPV4 (transient receptor potential cation channel subfamily V member 4; minus strand). Cytogenetic location: 12q24.11.
Variant type: single nucleotide variant.
Coding change: c.706T>C on transcript NM_021625.5 (MANE Select); coding-DNA position 706, T replaced by C.
Protein change: p.Tyr236His; replaces tyrosine 236 with histidine.
Molecular consequence: missense variant.
Genome position (GRCh38, 1-based): chr12:109,802,997, A>G on the plus strand (T>C on the coding strand, the complement: TRPV4 is on the minus strand). VCF-style: chr12-109802997-A-G. GRCh37 (hg19) VCF-style: chr12-110240802-A-G.
Other names: c.706T>C, p.Tyr236His (NM_147204.3, NM_001177428.2, NM_001177433.2); c.604T>C, p.Tyr202His (NM_001177431.2); short protein forms Y236H, Y202H.
Identifiers: ClinVar variation 1757003 (VCV001757003.7), dbSNP rs758936455, ClinGen allele CA6780469.
Genomic context (GRCh38, chr12:109,802,997, plus strand): 5'-AGGACAGCGTCTCCATCAGCCCCCGTGGCACCCCTGCCCAGCCCGGGGCCCCACCTCGAT[A>G]GTAGATGTCACGGAAGGGCGAGTTAATGAACTCCCTCATGTTGCCGGTGCGCTCCGCGAT-3'
Protein context (NP_067638.3, residues 226-246): FINSPFRDIY[Tyr236His]RGQTALHIAI

ClinVar aggregate classification (germline): Uncertain significance. Review status: criteria provided, multiple submitters, no conflicts (2 of 4 stars). 2 submissions from 2 submitters: Uncertain significance (2). Last evaluated 2022-05-03.

Conditions:
Charcot-Marie-Tooth disease axonal type 2C (HMSN2C). Also called: CHARCOT-MARIE-TOOTH DISEASE, AXONAL, AUTOSOMAL DOMINANT, TYPE 2C; Charcot-Marie-Tooth Neuropathy Type 2C; Charcot-Marie-Tooth Disease Type 2, TRPV4-Related (CMT2C). Identifiers: Orphanet 99937, MedGen C1853710, MONDO:0011633, OMIM 606071.
Inborn genetic diseases. Identifiers: MedGen C0950123, MeSH D030342.

Allele frequency attached by ClinVar (database versions not stated): gnomAD exomes below 0.00001; ExAC 0.00001.
gnomAD v4.1: 3 of 1,614,016 alleles (0.00019%); highest among the groups gnomAD compares: Non-Finnish European, 0.00025%; no homozygotes.

Submissions (2):

Ambry Genetics
Classification: Uncertain significance for Inborn genetic diseases. Last evaluated: 2022-05-03. Review status: criteria provided, single submitter. Criteria: Ambry Variant Classification Scheme 2023. Collection method: clinical testing. Allele origin: germline.
Comment: The p.Y236H variant (also known as c.706T>C), located in coding exon 3 of the TRPV4 gene, results from a T to C substitution at nucleotide position 706. The tyrosine at codon 236 is replaced by histidine, an amino acid with similar properties. This amino acid position is conserved. In addition, this alteration is predicted to be deleterious by in silico analysis. Since supporting evidence is limited at this time, the clinical significance of this alteration remains unclear.

Labcorp Genetics (formerly Invitae), Labcorp
Classification: Uncertain significance for Charcot-Marie-Tooth disease axonal type 2C. Last evaluated: 2022-02-28. Review status: criteria provided, single submitter. Criteria: Invitae Variant Classification Sherloc (09022015). Collection method: clinical testing. Allele origin: germline.
Comment: In summary, the available evidence is currently insufficient to determine the role of this variant in disease. Therefore, it has been classified as a Variant of Uncertain Significance. Advanced modeling of protein sequence and biophysical properties (such as structural, functional, and spatial information, amino acid conservation, physicochemical variation, residue mobility, and thermodynamic stability) performed at Invitae indicates that this missense variant is expected to disrupt TRPV4 protein function. This variant has not been reported in the literature in individuals affected with TRPV4-related conditions. This variant is present in population databases (rs758936455, gnomAD 0.0009%). This sequence change replaces tyrosine, which is neutral and polar, with histidine, which is basic and polar, at codon 236 of the TRPV4 protein (p.Tyr236His).